The following is an entry in ClinVar:

NM_001130823.3(DNMT1):c.625A>G (p.Ile209Val)

Gene: DNMT1 (DNA methyltransferase 1; minus strand). Cytogenetic location: 19p13.2.
Variant type: single nucleotide variant.
Coding change: c.625A>G on transcript NM_001130823.3 (MANE Select); coding-DNA position 625, A replaced by G.
Protein change: p.Ile209Val; replaces isoleucine 209 with valine.
Molecular consequence: missense variant.
Genome position (GRCh38, 1-based): chr19:10,175,563, T>C on the plus strand (A>G on the coding strand, the complement: DNMT1 is on the minus strand). VCF-style: chr19-10175563-T-C. GRCh37 (hg19) VCF-style: chr19-10286239-T-C.
Other names: c.577A>G, p.Ile193Val (NM_001318730.2, NM_001379.4); c.262A>G, p.Ile88Val (NM_001318731.2); short protein forms I209V, I193V, I88V.
Identifiers: ClinVar variation 1986731 (VCV001986731.4), dbSNP rs751913403, ClinGen allele CA9188683.
Genomic context (GRCh38, chr19:10,175,563, plus strand): 5'-TTAAGGTAGAGTCAGGAAATGAAAGCACTGGCCCTACCTGGTCTTTGTCTTCTTCCTTGA[T>C]GGACTCATCCGATTTGGCTCTTTCAGACTCTTCCTGAGGTTTCCGTTTGGCAGGGCTGTC-3'
Protein context (NP_001124295.1, residues 199-219): ESERAKSDES[Ile209Val]KEEDKDQDEK

ClinVar aggregate classification (germline): Uncertain significance (1 of 4 stars; one submission).

Conditions:
Hereditary sensory neuropathy-deafness-dementia syndrome. Also called: Hereditary sensory neuropathy type IE; NEUROPATHY, HEREDITARY SENSORY, WITH HEARING LOSS AND DEMENTIA; Hereditary Sensory and Autonomic Neuropathy Type 1E (HSAN1E); HSN IE. Identifiers: Orphanet 456318, MedGen C3279885, MONDO:0013584, OMIM 614116.

Allele frequency attached by ClinVar (database versions not stated): gnomAD exomes below 0.00001.
gnomAD v4.1: 3 of 1,614,066 alleles (0.00019%); highest among the groups gnomAD compares: Admixed American, 0.0033%; no homozygotes.

Submission:

Labcorp Genetics (formerly Invitae), Labcorp
Classification: Uncertain significance for Hereditary sensory neuropathy-deafness-dementia syndrome. Last evaluated: 2024-04-20. Review status: criteria provided, single submitter. Criteria: Invitae Variant Classification Sherloc (09022015). Collection method: clinical testing. Allele origin: germline.
Comment: This sequence change replaces isoleucine, which is neutral and non-polar, with valine, which is neutral and non-polar, at codon 209 of the DNMT1 protein (p.Ile209Val). This variant is present in population databases (rs751913403, gnomAD 0.006%). This variant has not been reported in the literature in individuals affected with DNMT1-related conditions. ClinVar contains an entry for this variant (Variation ID: 1986731). Algorithms developed to predict the effect of missense changes on protein structure and function output the following: SIFT: "Not Available"; PolyPhen-2: "Benign"; Align-GVGD: "Not Available". The valine amino acid residue is found in multiple mammalian species, which suggests that this missense change does not adversely affect protein function. In summary, the available evidence is currently insufficient to determine the role of this variant in disease. Therefore, it has been classified as a Variant of Uncertain Significance.